The following is an entry in ClinVar:

ClinVar aggregate classification (germline): Conflicting classifications of pathogenicity. Review status: criteria provided, conflicting classifications (1 of 4 stars). 6 submissions from 6 submitters: Uncertain significance (4); Likely benign (2). Last evaluated 2025-10-27.

Conditions:
Hereditary cancer-predisposing syndrome. Also called: Neoplastic Syndromes, Hereditary; Tumor predisposition; Hereditary Cancer Syndrome; Hereditary neoplastic syndrome. Identifiers: Orphanet 140162, MedGen C0027672, MeSH D009386, MONDO:0015356.
Hereditary breast ovarian cancer syndrome. Also called: Hereditary breast and ovarian cancer syndrome (HBOC); Breast and ovarian cancer; Hereditary breast and ovarian cancer; BRCA1- and BRCA2-Associated Hereditary Breast and Ovarian Cancer; Hereditary breast and ovarian cancer syndrome; Hereditary breast and/or ovarian cancer syndrome. Identifiers: Orphanet 145, MedGen C0677776, MeSH D061325, MONDO:0003582. Disease mechanism: loss of function.
Breast-ovarian cancer, familial, susceptibility to, 2 (BROVCA2). Also called: BRCA2 Hereditary Breast and Ovarian Cancer. Identifiers: Orphanet 145, MedGen C2675520, MONDO:0012933, OMIM 612555. Disease mechanism: loss of function.

gnomAD v4.1: 1 of 1,614,090 alleles (0.000062%); highest among the groups gnomAD compares: Non-Finnish European, 0.000085%; no homozygotes.

Submissions (6):

Ambry Genetics
Classification: Uncertain significance for Hereditary cancer-predisposing syndrome. Last evaluated: 2025-10-27. Review status: criteria provided, single submitter. Criteria: Ambry Variant Classification Scheme 2023. Collection method: clinical testing. Allele origin: germline.
Comment: The p.L391V variant (also known as c.1171T>G), located in coding exon 9 of the BRCA2 gene, results from a T to G substitution at nucleotide position 1171. The leucine at codon 391 is replaced by valine, an amino acid with highly similar properties. This amino acid position is conserved. In addition, this alteration is predicted to be tolerated by in silico analysis. Since supporting evidence is limited at this time, the clinical significance of this alteration remains unclear.

Color Diagnostics, LLC DBA Color Health
Classification: Likely benign for Hereditary cancer-predisposing syndrome. Last evaluated: 2024-09-23. Review status: criteria provided, single submitter. Criteria: ACMG Guidelines, 2015. Collection method: clinical testing. Allele origin: germline.

Labcorp Genetics (formerly Invitae), Labcorp
Classification: Uncertain significance for Hereditary breast ovarian cancer syndrome. Last evaluated: 2024-09-03. Review status: criteria provided, single submitter. Criteria: Invitae Variant Classification Sherloc (09022015). Collection method: clinical testing. Allele origin: germline.
Comment: This sequence change replaces leucine, which is neutral and non-polar, with valine, which is neutral and non-polar, at codon 391 of the BRCA2 protein (p.Leu391Val). This variant is not present in population databases (gnomAD no frequency). This variant has not been reported in the literature in individuals affected with BRCA2-related conditions. ClinVar contains an entry for this variant (Variation ID: 1975701). Invitae Evidence Modeling of protein sequence and biophysical properties (such as structural, functional, and spatial information, amino acid conservation, physicochemical variation, residue mobility, and thermodynamic stability) indicates that this missense variant is not expected to disrupt BRCA2 protein function with a negative predictive value of 95%. In summary, the available evidence is currently insufficient to determine the role of this variant in disease. Therefore, it has been classified as a Variant of Uncertain Significance.

All of Us Research Program, National Institutes of Health
Classification: Uncertain significance for Breast-ovarian cancer, familial, susceptibility to, 2. Last evaluated: 2023-04-27. Review status: criteria provided, single submitter. Criteria: ACMG Guidelines, 2015. Collection method: clinical testing. Allele origin: germline. Inheritance: Autosomal dominant inheritance. Observed: 1 variant allele, 1 heterozygote.
Comment: This missense variant replaces leucine with valine at codon 391 of the BRCA2 protein. Computational prediction suggests that this variant may not impact protein structure and function (internally defined REVEL score threshold <= 0.5, PMID: 27666373). To our knowledge, functional studies have not been reported for this variant. This variant has not been reported in individuals affected with hereditary cancer in the literature and has been reported in 1 unaffected individual (PMID: 33471991). This variant has not been identified in the general population by the Genome Aggregation Database (gnomAD). The available evidence is insufficient to determine the role of this variant in disease conclusively. Therefore, this variant is classified as a Variant of Uncertain Significance.

This study involves interpretation of variants in research participants for the purpose of population health screening. Participant phenotype was not available at the time of variant classification. Additional details can be found in publication PMID: 35346344, PMCID: PMC8962531

University of Washington Department of Laboratory Medicine, University of Washington
Classification: Likely benign for Hereditary cancer-predisposing syndrome. Last evaluated: 2023-03-23. Review status: criteria provided, single submitter. Criteria: Dines et al. (Genet Med. 2020). Collection method: curation. Allele origin: germline.
Comment: Missense variant in a coldspot region where missense variants are very unlikely to be pathogenic (PMID:31911673).

BRCA2 exon 10 coldspot. Reclassification based on statistical prior probability.

Blueprint Genetics
Classification: Uncertain significance. Last evaluated: 2019-11-21. Review status: criteria provided, single submitter. Criteria: ACMG Guidelines, 2015. Collection method: clinical testing. Allele origin: germline.

Literature cited by the submitters: PubMed 33471991 (cited by All of Us Research Program, National Institutes of Health).

NM_000059.4(BRCA2):c.1171T>G (p.Leu391Val)

Gene: BRCA2 (BRCA2 DNA repair associated; plus strand). Cytogenetic location: 13q13.1.
Variant type: single nucleotide variant.
Coding change: c.1171T>G on transcript NM_000059.4 (MANE Select); coding-DNA position 1171, T replaced by G.
Protein change: p.Leu391Val; replaces leucine 391 with valine.
Molecular consequence: missense variant.
Genome position (GRCh38, 1-based): chr13:32,332,649, T>G. VCF-style: chr13-32332649-T-G. GRCh37 (hg19) VCF-style: chr13-32906786-T-G.
Other names: c.1171T>G, p.Leu391Val (NM_001406719.1, NM_001406720.1, NM_001406721.1); short protein forms L391V.
Identifiers: ClinVar variation 1975701 (VCV001975701.13), dbSNP rs773412718, ClinGen allele CA387761951.